The following is an entry in ClinVar:

NM_201384.3(PLEC):c.6292G>A (p.Val2098Met)

Gene: PLEC (plectin; minus strand). Cytogenetic location: 8q24.3.
Variant type: single nucleotide variant.
Coding change: c.6292G>A on transcript NM_201384.3 (MANE Select); coding-DNA position 6292, G replaced by A.
Protein change: p.Val2098Met; replaces valine 2098 with methionine.
Molecular consequence: missense variant. On other transcripts: intron variant (1).
Genome position (GRCh38, 1-based): chr8:143,923,637, C>T on the plus strand (G>A on the coding strand, the complement: PLEC is on the minus strand). VCF-style: chr8-143923637-C-T. GRCh37 (hg19) VCF-style: chr8-144997805-C-T.
Other names: c.6373G>A, p.Val2125Met (NM_000445.5); c.6250G>A, p.Val2084Met (NM_201378.4); c.6226G>A, p.Val2076Met (NM_201379.3); c.6703G>A, p.Val2235Met (NM_201380.4); c.6196G>A, p.Val2066Met (NM_201381.3); c.6292G>A, p.Val2098Met (NM_201382.4); c.6304G>A, p.Val2102Met (NM_201383.3); c.4126-1242G>A (NM_001410941.1); short protein forms V2066M, V2076M, V2125M, V2084M, V2102M, V2098M, V2235M.
Identifiers: ClinVar variation 2936623 (VCV002936623.3), dbSNP rs782543560, ClinGen allele CA4926052.

ClinVar aggregate classification (germline): Uncertain significance (1 of 4 stars; one submission).

Conditions:
Epidermolysis bullosa simplex with nail dystrophy (EBS5D). Identifiers: MedGen C4225309, MONDO:0014661, OMIM 616487.
Epidermolysis bullosa simplex 5C, with pyloric atresia (EBS5C). Also called: PLEC-Related Epidermolysis Bullosa with Pyloric Atresia; Epidermolysis bullosa simplex with pyloric atresia; PLEC1-Related Epidermolysis Bullosa with Pyloric Atresia. Identifiers: Orphanet 158684, MedGen C2677349, MONDO:0012807, OMIM 612138.
Autosomal recessive limb-girdle muscular dystrophy type 2Q (LGMDR17). Also called: MUSCULAR DYSTROPHY, LIMB-GIRDLE, AUTOSOMAL RECESSIVE 17. Identifiers: Orphanet 254361, MedGen C3150989, MONDO:0013390, OMIM 613723.
Epidermolysis bullosa simplex, Ogna type (EBS5A). Also called: Pidermolysis bullosa simplex 5A, Ogna type; EPIDERMOLYSIS BULLOSA SIMPLEX 5A, OGNA TYPE. Identifiers: Orphanet 79401, MedGen C0432317, MONDO:0007555, OMIM 131950.
Epidermolysis bullosa simplex 5B, with muscular dystrophy (EBS5B). Also called: EPIDERMOLYSIS BULLOSA SIMPLEX AND LIMB-GIRDLE MUSCULAR DYSTROPHY; Epidermolysis bullosa simplex with muscular dystrophy. Identifiers: Orphanet 257, MedGen C2931072, MONDO:0009181, OMIM 226670.

gnomAD v4.1: 2 of 1,583,100 alleles (0.00013%); highest among the groups gnomAD compares: Admixed American, 0.0017%; no homozygotes.

Submission:

Labcorp Genetics (formerly Invitae), Labcorp
Classification: Uncertain significance for Autosomal recessive limb-girdle muscular dystrophy type 2Q; Epidermolysis bullosa simplex, Ogna type; Epidermolysis bullosa simplex with nail dystrophy; Epidermolysis bullosa simplex 5C, with pyloric atresia; Epidermolysis bullosa simplex 5B, with muscular dystrophy. Last evaluated: 2023-08-20. Review status: criteria provided, single submitter. Criteria: Invitae Variant Classification Sherloc (09022015). Collection method: clinical testing. Allele origin: germline.
Comment: In summary, the available evidence is currently insufficient to determine the role of this variant in disease. Therefore, it has been classified as a Variant of Uncertain Significance. An algorithm developed to predict the effect of missense changes on protein structure and function (PolyPhen-2) suggests that this variant is likely to be disruptive. This variant has not been reported in the literature in individuals affected with PLEC-related conditions. The frequency data for this variant in the population databases is considered unreliable, as metrics indicate poor data quality at this position in the gnomAD database. This sequence change replaces valine, which is neutral and non-polar, with methionine, which is neutral and non-polar, at codon 2125 of the PLEC protein (p.Val2125Met).